The following is an entry in ClinVar:

NM_000166.6(GJB1):c.33T>G (p.Ser11Arg)

Gene: GJB1 (gap junction protein beta 1; plus strand). Cytogenetic location: Xq13.1.
Variant type: single nucleotide variant.
Coding change: c.33T>G on transcript NM_000166.6 (MANE Select); coding-DNA position 33, T replaced by G.
Protein change: p.Ser11Arg; replaces serine 11 with arginine.
Molecular consequence: missense variant.
Genome position (GRCh38, 1-based): chrX:71,223,740, T>G. VCF-style: chrX-71223740-T-G. GRCh37 (hg19) VCF-style: chrX-70443590-T-G.
Other names: c.33T>G, p.Ser11Arg (NM_001097642.3); short protein forms S11R.
Identifiers: ClinVar variation 1731060 (VCV001731060.2), dbSNP rs2147944838, ClinGen allele CA413499455.

ClinVar aggregate classification (germline): Uncertain significance (1 of 4 stars; one submission).

Conditions:
Inborn genetic diseases. Identifiers: MedGen C0950123, MeSH D030342.

Submission:

Ambry Genetics
Classification: Uncertain significance for Inborn genetic diseases. Last evaluated: 2021-03-15. Review status: criteria provided, single submitter. Criteria: Ambry Variant Classification Scheme 2023. Collection method: clinical testing. Allele origin: germline.
Comment: The p.S11R variant (also known as c.33T>G), located in coding exon 1 of the GJB1 gene, results from a T to G substitution at nucleotide position 33. The serine at codon 11 is replaced by arginine, an amino acid with dissimilar properties. This amino acid position is not well conserved in available vertebrate species. In addition, the in silico prediction for this alteration is inconclusive. Since supporting evidence is limited at this time, the clinical significance of this alteration remains unclear.